The following is an entry in ClinVar:

NM_201384.3(PLEC):c.9011A>C (p.Glu3004Ala)

Gene: PLEC (plectin; minus strand). Cytogenetic location: 8q24.3.
Variant type: single nucleotide variant.
Coding change: c.9011A>C on transcript NM_201384.3 (MANE Select); coding-DNA position 9011, A replaced by C.
Protein change: p.Glu3004Ala; replaces glutamic acid 3004 with alanine.
Molecular consequence: missense variant.
Genome position (GRCh38, 1-based): chr8:143,920,810, T>G on the plus strand (A>C on the coding strand, the complement: PLEC is on the minus strand). VCF-style: chr8-143920810-T-G. GRCh37 (hg19) VCF-style: chr8-144994978-T-G.
Other names: c.9092A>C, p.Glu3031Ala (NM_000445.5); c.5711A>C, p.Glu1904Ala (NM_001410941.1); c.8969A>C, p.Glu2990Ala (NM_201378.4); c.8945A>C, p.Glu2982Ala (NM_201379.3); c.9422A>C, p.Glu3141Ala (NM_201380.4); c.8915A>C, p.Glu2972Ala (NM_201381.3); c.9011A>C, p.Glu3004Ala (NM_201382.4); c.9023A>C, p.Glu3008Ala (NM_201383.3); and 1 more; short protein forms E2972A, E1904A, E3031A, E3008A, E3141A, E2982A, E2990A, E3004A.
Identifiers: ClinVar variation 4793318 (VCV004793318.2).

ClinVar aggregate classification (germline): Uncertain significance. Review status: criteria provided, multiple submitters, no conflicts (2 of 4 stars). 2 submissions from 2 submitters: Uncertain significance (2). Last evaluated 2026-05-10.

Conditions:
Epidermolysis bullosa simplex, Ogna type (EBS5A). Also called: EPIDERMOLYSIS BULLOSA SIMPLEX 5A, OGNA TYPE; Pidermolysis bullosa simplex 5A, Ogna type. Identifiers: Orphanet 79401, MedGen C0432317, MONDO:0007555, OMIM 131950.
Epidermolysis bullosa simplex 5B, with muscular dystrophy (EBS5B). Also called: Epidermolysis bullosa simplex with muscular dystrophy; EPIDERMOLYSIS BULLOSA SIMPLEX AND LIMB-GIRDLE MUSCULAR DYSTROPHY. Identifiers: Orphanet 257, MedGen C2931072, MONDO:0009181, OMIM 226670.
Epidermolysis bullosa simplex with nail dystrophy (EBS5D). Identifiers: MedGen C4225309, MONDO:0014661, OMIM 616487.
Epidermolysis bullosa simplex 5C, with pyloric atresia (EBS5C). Also called: Epidermolysis bullosa simplex with pyloric atresia; PLEC-Related Epidermolysis Bullosa with Pyloric Atresia; PLEC1-Related Epidermolysis Bullosa with Pyloric Atresia. Identifiers: Orphanet 158684, MedGen C2677349, MONDO:0012807, OMIM 612138.
Autosomal recessive limb-girdle muscular dystrophy type 2Q (LGMDR17). Also called: MUSCULAR DYSTROPHY, LIMB-GIRDLE, AUTOSOMAL RECESSIVE 17. Identifiers: Orphanet 254361, MedGen C3150989, MONDO:0013390, OMIM 613723.
PLEC-related disorder. Also called: PLEC-related condition; PLEC-related disorders.

gnomAD v4.1: 17 of 1,608,044 alleles (0.0011%); highest among the groups gnomAD compares: Non-Finnish European, 0.0014%; no homozygotes.

Submissions (2):

PreventionGenetics, part of Exact Sciences
Classification: Uncertain significance for PLEC-related condition. Last evaluated: 2026-05-10. Review status: criteria provided, single submitter. Criteria: ACMG Guidelines, 2015. Collection method: clinical testing. Allele origin: germline.
Comment: The PLEC c.9092A>C variant is predicted to result in the amino acid substitution p.Glu3031Ala. To our knowledge, this variant has not been reported in the literature. This variant is reported in 0.0028% of alleles in individuals of European (Non-Finnish) descent in gnomAD. At this time, the clinical significance of this variant is uncertain due to the absence of conclusive functional and genetic evidence.

Labcorp Genetics (formerly Invitae), Labcorp
Classification: Uncertain significance for Autosomal recessive limb-girdle muscular dystrophy type 2Q; Epidermolysis bullosa simplex, Ogna type; Epidermolysis bullosa simplex with nail dystrophy; Epidermolysis bullosa simplex 5C, with pyloric atresia; Epidermolysis bullosa simplex 5B, with muscular dystrophy. Last evaluated: 2025-08-05. Review status: criteria provided, single submitter. Criteria: Invitae Variant Classification Sherloc (09022015). Collection method: clinical testing. Allele origin: germline.
Comment: This sequence change replaces glutamic acid, which is acidic and polar, with alanine, which is neutral and non-polar, at codon 3031 of the PLEC protein (p.Glu3031Ala). This variant is present in population databases (rs375813239, gnomAD 0.002%). This variant has not been reported in the literature in individuals affected with PLEC-related conditions. Invitae Evidence Modeling of protein sequence and biophysical properties (such as structural, functional, and spatial information, amino acid conservation, physicochemical variation, residue mobility, and thermodynamic stability) indicates that this missense variant is not expected to disrupt PLEC protein function with a negative predictive value of 80%. In summary, the available evidence is currently insufficient to determine the role of this variant in disease. Therefore, it has been classified as a Variant of Uncertain Significance.